The following is an entry in ClinVar:

NM_001447.3(FAT2):c.11306G>A (p.Cys3769Tyr)

Genes: FAT2 (FAT atypical cadherin 2; minus strand), SLC36A1 (solute carrier family 36 member 1; plus strand). Cytogenetic location: 5q33.1.
Variant type: single nucleotide variant.
Coding change: c.11306G>A on transcript NM_001447.3 (MANE Select); coding-DNA position 11306, G replaced by A.
Protein change: p.Cys3769Tyr; replaces cysteine 3769 with tyrosine.
Molecular consequence: missense variant.
Genome position (GRCh38, 1-based): chr5:151,521,287, C>T on the plus strand (G>A on the coding strand, the complement: FAT2 is on the minus strand). VCF-style: chr5-151521287-C-T. GRCh37 (hg19) VCF-style: chr5-150900848-C-T.
Other names: short protein forms C3769Y.
Identifiers: ClinVar variation 1918186 (VCV001918186.5), dbSNP rs2480959224, ClinGen allele CA361823316.

ClinVar aggregate classification (germline): Uncertain significance (1 of 4 stars; one submission).

Submission:

Labcorp Genetics (formerly Invitae), Labcorp
Classification: Uncertain significance. Last evaluated: 2022-03-13. Review status: criteria provided, single submitter. Criteria: Invitae Variant Classification Sherloc (09022015). Collection method: clinical testing. Allele origin: germline.
Comment: This sequence change replaces cysteine, which is neutral and slightly polar, with tyrosine, which is neutral and polar, at codon 3769 of the FAT2 protein (p.Cys3769Tyr). This variant is not present in population databases (gnomAD no frequency). This variant has not been reported in the literature in individuals affected with FAT2-related conditions. Algorithms developed to predict the effect of missense changes on protein structure and function (SIFT, PolyPhen-2, Align-GVGD) all suggest that this variant is likely to be disruptive. In summary, the available evidence is currently insufficient to determine the role of this variant in disease. Therefore, it has been classified as a Variant of Uncertain Significance.